The following is an entry in ClinVar:

NM_001211.6(BUB1B):c.1532C>T (p.Ala511Val)

Gene: BUB1B (BUB1 mitotic checkpoint serine/threonine kinase B; plus strand). Cytogenetic location: 15q15.1.
Variant type: single nucleotide variant.
Coding change: c.1532C>T on transcript NM_001211.6 (MANE Select); coding-DNA position 1532, C replaced by T.
Protein change: p.Ala511Val; replaces alanine 511 with valine.
Molecular consequence: missense variant.
Genome position (GRCh38, 1-based): chr15:40,200,945, C>T. VCF-style: chr15-40200945-C-T. GRCh37 (hg19) VCF-style: chr15-40493146-C-T.
Other names: short protein forms A511V.
Identifiers: ClinVar variation 864290 (VCV000864290.12), dbSNP rs758067530, ClinGen allele CA7475790.

ClinVar aggregate classification (germline): Uncertain significance. Review status: criteria provided, multiple submitters, no conflicts (2 of 4 stars). 2 submissions from 2 submitters: Uncertain significance (2). Last evaluated 2025-11-11.

Conditions:
Inborn genetic diseases. Identifiers: MedGen C0950123, MeSH D030342.
Mosaic variegated aneuploidy syndrome 1 (MVA1). Also called: Warburton-Anyane-Yeboa syndrome. Identifiers: Orphanet 1052, MedGen C1850343, MONDO:0009759, OMIM 257300.

Allele frequency attached by ClinVar (database versions not stated): gnomAD 0.00001; ExAC 0.00003; gnomAD exomes 0.00004; TOPMed 0.00005.
gnomAD v4.1: 26 of 1,613,098 alleles (0.0016%); highest among the groups gnomAD compares: Middle Eastern, 0.033%; no homozygotes.

Submissions (2):

Ambry Genetics
Classification: Uncertain significance for Inborn genetic diseases. Last evaluated: 2025-11-11. Review status: criteria provided, single submitter. Criteria: Ambry Variant Classification Scheme 2023. Collection method: clinical testing. Allele origin: germline.

Labcorp Genetics (formerly Invitae), Labcorp
Classification: Uncertain significance for Mosaic variegated aneuploidy syndrome 1. Last evaluated: 2024-03-16. Review status: criteria provided, single submitter. Criteria: Invitae Variant Classification Sherloc (09022015). Collection method: clinical testing. Allele origin: germline.
Comment: This sequence change replaces alanine, which is neutral and non-polar, with valine, which is neutral and non-polar, at codon 511 of the BUB1B protein (p.Ala511Val). This variant is present in population databases (rs758067530, gnomAD 0.006%). This variant has not been reported in the literature in individuals affected with BUB1B-related conditions. ClinVar contains an entry for this variant (Variation ID: 864290). Algorithms developed to predict the effect of missense changes on protein structure and function output the following: SIFT: "Not Available"; PolyPhen-2: "Benign"; Align-GVGD: "Not Available". The valine amino acid residue is found in multiple mammalian species, which suggests that this missense change does not adversely affect protein function. In summary, the available evidence is currently insufficient to determine the role of this variant in disease. Therefore, it has been classified as a Variant of Uncertain Significance.